The following is an entry in ClinVar:

NM_001303052.2(MYT1L):c.403_414del (p.Ile135_Glu138del)

Gene: MYT1L (myelin transcription factor 1 like; minus strand). Cytogenetic location: 2p25.3.
Variant type: Deletion.
Coding change: c.403_414del on transcript NM_001303052.2 (MANE Select); coding-DNA positions 403 to 414, 12 bases deleted (ATCGAGGAGGAG).
Protein change: p.Ile135_Glu138del.
Molecular consequence: inframe deletion.
Genome position (GRCh38, 1-based): chr2:1,943,073-1,943,084, CTCCTCCTCGAT deleted on the plus strand (ATCGAGGAGGAG on the coding strand, the reverse complement: MYT1L is on the minus strand); deleting any 12 consecutive bases within chr2:1,943,073-1,943,093 gives the same sequence; the c. name uses the placement nearest the transcript's 3' end. VCF-style (leftmost placement, unchanged base first): chr2-1943072-CCTCCTCCTCGAT-C. GRCh37 (hg19) VCF-style: chr2-1946844-CCTCCTCCTCGAT-C.
Other names: c.403_414del, p.Ile135_Glu138del (NM_001329844.2, NM_001329845.1, NM_001329846.3 and 6 more transcripts).
Identifiers: ClinVar variation 3573802 (VCV003573802.1).
Genomic context (GRCh38, chr2:1,943,072, plus strand): 5'-CCTCCTCCTCTTCCTCTTCTTCATCCTCCACATCTTCTCCATCCTCGTCATCGTCCTCAT[CCTCCTCCTCGAT>C]CTCCTCCTCCTCCTCCCGGTCCCCCTCCTCGTCCTCCTCGTCCTCATCCCCTGGCTCATC-3'

ClinVar aggregate classification (germline): Uncertain significance (1 of 4 stars; one submission).

Submission:

GeneDx
Classification: Uncertain significance. Last evaluated: 2024-07-15. Review status: criteria provided, single submitter. Criteria: GeneDx Variant Classification Process June 2021. Collection method: clinical testing. Allele origin: germline. Affected: yes.
Comment: Not observed at significant frequency in large population cohorts (gnomAD); In-frame deletion of 4 amino acids in a non-repeat region; In silico analysis supports a deleterious effect on protein structure/function; Has not been previously published as pathogenic or benign to our knowledge